The following is an entry in ClinVar:

NM_003820.4(TNFRSF14):c.304+606C>G

Gene: TNFRSF14 (TNF receptor superfamily member 14; plus strand). Cytogenetic location: 1p36.32.
Variant type: single nucleotide variant.
Coding change: c.304+606C>G on transcript NM_003820.4 (MANE Select); 606 bases into the intron after coding-DNA position 304, C replaced by G.
Molecular consequence: intron variant.
Genome position (GRCh38, 1-based): chr1:2,559,074, C>G. VCF-style: chr1-2559074-C-G. GRCh37 (hg19) VCF-style: chr1-2490513-C-G.
Other names: c.304+606C>G (NM_001297605.2).
Identifiers: ClinVar variation 133395 (VCV000133395.1), dbSNP rs11573976, ClinGen allele CA156487.

ClinVar aggregate classification (germline): not provided (0 of 4 stars; one submission).

Allele frequency attached by ClinVar (database versions not stated): 1000 Genomes Project 0.00899; TOPMed 0.01085.
gnomAD v4.1: 2,929 of 1,368,990 alleles (0.21%); highest among the groups gnomAD compares: African/African-American, 3.7%; 42 homozygotes.

Submission:

ITMI
No classification provided. Condition: AllHighlyPenetrant. Last evaluated: 2013-09-19. Review status: no classification provided. Collection method: reference population. Allele origin: germline.
Comment: Please see associated publication for description of ethnicities

Literature cited by the submitters: PubMed 24728327.